The following continues an entry in ClinVar:

NM_000545.8(HNF1A):c.814C>T (p.Arg272Cys)

Gene: HNF1A. ClinVar aggregate classification (germline): Pathogenic. Pathogenic (1).

Submissions 7 to 12 of 12:

GeneDx
Classification: Pathogenic. Last evaluated: 2023-04-14. Review status: criteria provided, single submitter. Criteria: GeneDx Variant Classification Process June 2021. Collection method: clinical testing. Allele origin: germline. Not counted in ClinVar's aggregate classification.
Comment: Published in vitro functional studies demonstrate a dominant negative effect resulting in no trans-activating or DNA-binding activity (PMID: 10333057); Not observed at significant frequency in large population cohorts (gnomAD); In silico analysis supports that this missense variant has a deleterious effect on protein structure/function; This variant is associated with the following publications: (PMID: 25414397, 10333057, 28701371, 18003757, 16562587, 16274290, 10447526, 11719843, 34789499, 37937776, 36227502, 36257325, 36563694, 36068963, 9166684, 12453420)

Athena Diagnostics
Classification: Pathogenic. Last evaluated: 2022-08-29. Review status: criteria provided, single submitter. Criteria: Athena Diagnostics Criteria. Collection method: clinical testing. Allele origin: unknown. Not counted in ClinVar's aggregate classification.
Comment: This variant has been identified in multiple unrelated individuals with clinical features associated with this gene including a de novo case. This variant appears to segregate with disease in at least one family. At least one other missense variant at this codon is considered to be pathogenic or likely pathogenic, suggesting this variant may also cause disease. This variant has not been reported in large, multi-ethnic general populations. Assessment of experimental evidence suggests this variant results in abnormal protein function. Variant protein abolished DNA binding and transactivation activity (PMID: 10333057). The variant is located in a region that is considered important for protein function and/or structure.

ARUP Laboratories, Molecular Genetics and Genomics, ARUP Laboratories
Classification: Pathogenic. Last evaluated: 2021-11-16. Review status: criteria provided, single submitter. Criteria: ARUP Molecular Germline Variant Investigation Process 2021. Collection method: clinical testing. Allele origin: germline. Not counted in ClinVar's aggregate classification.
Comment: The HNF1A c.814C>T; p.Arg272Cys variant (rs1555212014) is reported in the literature in multiple individuals affected with maturity-onset diabetes of the young (MODY, Kagami-Takasugi 2006, Kristinsson 2001, Yoshiuchi 1999). Functional analyses of the variant protein show abolished transactivation activity and DNA binding (Yoshiuchi 1999). This variant is reported in ClinVar (Variation ID: 447503) and is absent from the Genome Aggregation Database, indicating it is not a common polymorphism. Additionally, other variants at this codon (c.815G>A, p.Arg272His; c.814C>A, p.Arg272Ser) have been reported in individuals with MODY and are considered pathogenic (Bellanne-Chantelot 2008, Yamada 1997). The arginine at codon 272 is highly conserved, and computational analyses predict that this variant is deleterious (REVEL: 0.941). Based on available information, this variant is considered to be pathogenic. References: Bellanne-Chantelot C et al. The type and the position of HNF1A mutation modulate age at diagnosis of diabetes in patients with maturity-onset diabetes of the young (MODY)-3. Diabetes. 2008 Feb;57(2):503-8. PMID: 18003757. Kagami-Takasugi M et al. Molecular genetic analysis of MODY candidate genes in Japanese patients with non-obese juvenile onset diabetes mellitus. J Pediatr Endocrinol Metab. 2006 Feb;19(2):143-8. PMID: 16562587 Kristinsson SY et al. MODY in Iceland is associated with mutations in HNF-1alpha and a novel mutation in NeuroD1. Diabetologia. 2001 Nov;44(11):2098-103. PMID: 11719843 Yamada S et al. Identification of mutations in the hepatocyte nuclear factor (HNF)-1 alpha gene in Japanese subjects with IDDM. Diabetes. 1997 Oct;46(10):1643-7. PMID: 9313763. Yoshiuchi I et al. Three new mutations in the hepatocyte nuclear factor-1alpha gene in Japanese subjects with diabetes mellitus: clinical features and functional characterization. Diabetologia. 1999 May;42(5):621-6. PMID: 10333057

Ambry Genetics
Classification: Pathogenic for Maturity-onset diabetes of the young. Last evaluated: 2021-08-23. Review status: criteria provided, single submitter. Criteria: Ambry Variant Classification Scheme 2023. Collection method: clinical testing. Allele origin: germline. Not counted in ClinVar's aggregate classification.
Comment: The p.R272C pathogenic mutation (also known as c.814C>T), located in coding exon 4 of the HNF1A gene, results from a C to T substitution at nucleotide position 814. The arginine at codon 272 is replaced by cysteine, an amino acid with highly dissimilar properties. This mutation has since been reported in multiple MODY patients and kindreds (Lehto M, Diabetologia 1999 Sep; 42(9):1131-7; Kristinsson SY, Diabetologia 2001 Nov; 44(11):2098-103; Delvecchio M, Diabetes Care 2014 Dec; 37(12):e258-60). In addition, alterations at the same codon (p.R272H and p.R272S) have been reported in MODY families (Colclough K, Hum. Mutat. 2013 May; 34(5):669-85). Based on the supporting evidence, p.R272C is interpreted as a disease-causing mutation.

Clinical Genomics, Uppaluri K&H Personalized Medicine Clinic
Classification: Likely pathogenic for Maturity-onset diabetes of the young. Review status: criteria provided, single submitter. Criteria: K & H Uppaluri Personalized Medicine Clinic Variant Classification & Assertion Criteria_Updated V.1. Collection method: research. Allele origin: unknown. Inheritance: Autosomal dominant inheritance. Not counted in ClinVar's aggregate classification.
Comment: Mutations in HNF1A gene can predispose to MODY3. It is associated with both micro and macrovascular complications of diabetes, especially cardiovascular complications. Associated with glucosuria. May respond well to sulfonylureas. However, more evidence is required to confer the association of this particular variant rs1555212014 with MODY3.

Cardiovascular Genetics Laboratory, PathWest Laboratory Medicine WA - Fiona Stanley Hospital
Classification: Pathogenic for Maturity-onset diabetes of the young type 3. Last evaluated: 2025-02-25. Review status: no assertion criteria provided. Criteria: ACMG Guidelines, 2015. Collection method: clinical testing. Allele origin: germline. Affected: yes. Not counted in ClinVar's aggregate classification.

Literature cited by the submitters: PubMed 10333057 (cited by 3 submitters); PubMed 11719843 (cited by 3 submitters); PubMed 16562587 (cited by Labcorp Genetics (formerly Invitae), Labcorp and Athena Diagnostics); PubMed 9032114 (cited by Labcorp Genetics (formerly Invitae), Labcorp); PubMed 21823540 (cited by Labcorp Genetics (formerly Invitae), Labcorp); PubMed 29439679 (cited by Labcorp Genetics (formerly Invitae), Labcorp); PubMed 28701371 (cited by Athena Diagnostics); PubMed 25414397 (cited by Athena Diagnostics and Ambry Genetics); PubMed 10447526 (cited by Athena Diagnostics and Ambry Genetics); PubMed 16274290 (cited by Athena Diagnostics); PubMed 18003757 (cited by Athena Diagnostics); PubMed 23348805 (cited by Ambry Genetics); PubMed 31517624 (cited by Clinical Genomics, Uppaluri K&H Personalized Medicine Clinic); PubMed 32395877 (cited by Clinical Genomics, Uppaluri K&H Personalized Medicine Clinic); PubMed 35328643 (cited by Clinical Genomics, Uppaluri K&H Personalized Medicine Clinic).